The following is an entry in ClinVar:

ClinVar aggregate classification (germline): Uncertain significance (1 of 4 stars; one submission).

Allele frequency attached by ClinVar (database versions not stated): gnomAD exomes 0.00002.
gnomAD v4.1: 28 of 1,535,056 alleles (0.0018%); highest among the groups gnomAD compares: Non-Finnish European, 0.0025%; no homozygotes.

Submission:

Labcorp Genetics (formerly Invitae), Labcorp
Classification: Uncertain significance. Last evaluated: 2022-08-09. Review status: criteria provided, single submitter. Criteria: Invitae Variant Classification Sherloc (09022015). Collection method: clinical testing. Allele origin: germline.
Comment: This variant is not present in population databases (gnomAD no frequency). In summary, the available evidence is currently insufficient to determine the role of this variant in disease. Therefore, it has been classified as a Variant of Uncertain Significance. Algorithms developed to predict the effect of sequence changes on RNA splicing suggest that this variant may disrupt the consensus splice site. ClinVar contains an entry for this variant (Variation ID: 1417262). This variant has not been reported in the literature in individuals affected with DTHD1-related conditions. This sequence change falls in intron 1 of the DTHD1 gene. It does not directly change the encoded amino acid sequence of the DTHD1 protein.

NM_001170700.3(DTHD1):c.888-7C>G

Gene: DTHD1 (death domain containing 1; plus strand). Cytogenetic location: 4p14.
Variant type: single nucleotide variant.
Coding change: c.888-7C>G on transcript NM_001170700.3 (MANE Select); 7 bases into the intron before coding-DNA position 888, C replaced by G.
Molecular consequence: intron variant.
Genome position (GRCh38, 1-based): chr4:36,290,366, C>G. VCF-style: chr4-36290366-C-G. GRCh37 (hg19) VCF-style: chr4-36291988-C-G.
Other names: c.18-7C>G (NM_001136536.5, NM_001378435.1).
Identifiers: ClinVar variation 1417262 (VCV001417262.6), dbSNP rs1755992783, ClinGen allele CA2573137679.